The following is an entry in ClinVar:

ClinVar aggregate classification (germline): Conflicting classifications of pathogenicity. Review status: criteria provided, conflicting classifications (1 of 4 stars). 2 submissions from 2 submitters: Likely pathogenic (1); Uncertain significance (1). Last evaluated 2025-09-30.

Conditions:
C3 glomerulonephritis. Also called: Nephropathy due to CFHR5 Deficiency; C3 GLOMERULOPATHY 3. Identifiers: Orphanet 329931, MedGen C4055342, MONDO:0013892, OMIM 614809.

Allele frequency attached by ClinVar (database versions not stated): gnomAD exomes below 0.00001.
gnomAD v4.1: 2 of 1,613,946 alleles (0.00012%); highest among the groups gnomAD compares: Non-Finnish European, 0.00017%; no homozygotes.

Submissions (2):

Genomenon, Inc
Classification: Uncertain significance for C3 glomerulonephritis. Last evaluated: 2025-09-30. Review status: criteria provided, single submitter. Criteria: Genomenon Sequence Variant Interpretation Standards. Collection method: curation. Allele origin: germline. Affected: yes.
Comment: C3 p.Tyr129Ter (c.387C>G) is a nonsense variant that introduces a premature stop codon at amino acid position 129, creating a truncated protein. This variant has been observed in at least one proband affected with C3 glomerulonephritis (PMID:38344720). It is absent or not present at a significant frequency in gnomAD. In conclusion, we classify C3 p.Tyr129Ter (c.387C>G) as a variant of uncertain significance.

AiLife Diagnostics
Classification: Likely pathogenic. Last evaluated: 2022-03-30. Review status: criteria provided, single submitter. Criteria: ACMG Guidelines, 2015. Collection method: clinical testing. Allele origin: germline. Affected: yes. Observed: 1 variant allele.

Literature cited by the submitters: PubMed 38344720 (cited by Genomenon, Inc).

NM_000064.4(C3):c.387C>G (p.Tyr129Ter)

Gene: C3 (complement C3; minus strand). Cytogenetic location: 19p13.3.
Variant type: single nucleotide variant.
Coding change: c.387C>G on transcript NM_000064.4 (MANE Select); coding-DNA position 387, C replaced by G.
Protein change: p.Tyr129Ter; replaces tyrosine 129 with a stop codon.
Molecular consequence: nonsense.
Genome position (GRCh38, 1-based): chr19:6,718,293, G>C on the plus strand (C>G on the coding strand, the complement: C3 is on the minus strand). VCF-style: chr19-6718293-G-C. GRCh37 (hg19) VCF-style: chr19-6718304-G-C.
Other names: short protein forms Y129*.
Identifiers: ClinVar variation 1678090 (VCV001678090.2), dbSNP rs2145436814, ClinGen allele CA403645119.